The following is an entry in ClinVar:

NM_000321.3(RB1):c.1769G>T (p.Cys590Phe)

Gene: RB1 (RB transcriptional corepressor 1; plus strand). Cytogenetic location: 13q14.2.
Variant type: single nucleotide variant.
Coding change: c.1769G>T on transcript NM_000321.3 (MANE Select); coding-DNA position 1769, G replaced by T.
Protein change: p.Cys590Phe; replaces cysteine 590 with phenylalanine.
Molecular consequence: missense variant.
Genome position (GRCh38, 1-based): chr13:48,453,066, G>T. VCF-style: chr13-48453066-G-T. GRCh37 (hg19) VCF-style: chr13-49027202-G-T.
Other names: short protein forms C590F.
Identifiers: ClinVar variation 1022555 (VCV001022555.9), dbSNP rs1949338458, ClinGen allele CA388165575.

ClinVar aggregate classification (germline): Uncertain significance (1 of 4 stars; one submission).

Conditions:
Retinoblastoma (RB1). Also called: RETINOBLASTOMA, SOMATIC. Identifiers: Orphanet 790, MedGen C0035335, MeSH D012175, MONDO:0008380, OMIM 180200, HP:0009919. Disease mechanism: loss of function. Inheritance: Both sporadic and heritable forms are tested..

Submission:

Labcorp Genetics (formerly Invitae), Labcorp
Classification: Uncertain significance for Retinoblastoma. Last evaluated: 2022-11-08. Review status: criteria provided, single submitter. Criteria: Invitae Variant Classification Sherloc (09022015). Collection method: clinical testing. Allele origin: germline.
Comment: Advanced modeling of protein sequence and biophysical properties (such as structural, functional, and spatial information, amino acid conservation, physicochemical variation, residue mobility, and thermodynamic stability) performed at Invitae indicates that this missense variant is not expected to disrupt RB1 protein function. In summary, the available evidence is currently insufficient to determine the role of this variant in disease. Therefore, it has been classified as a Variant of Uncertain Significance. ClinVar contains an entry for this variant (Variation ID: 1022555). This variant has not been reported in the literature in individuals affected with RB1-related conditions. This variant is not present in population databases (gnomAD no frequency). This sequence change replaces cysteine, which is neutral and slightly polar, with phenylalanine, which is neutral and non-polar, at codon 590 of the RB1 protein (p.Cys590Phe).